The following is an entry in ClinVar:

NM_018967.5(SNTG1):c.76A>C (p.Lys26Gln)

Gene: SNTG1 (syntrophin gamma 1; plus strand). Cytogenetic location: 8q11.21.
Variant type: single nucleotide variant.
Coding change: c.76A>C on transcript NM_018967.5 (MANE Select); coding-DNA position 76, A replaced by C.
Protein change: p.Lys26Gln; replaces lysine 26 with glutamine.
Molecular consequence: missense variant. On other transcripts: non-coding transcript variant (5).
Genome position (GRCh38, 1-based): chr8:50,402,258, A>C. VCF-style: chr8-50402258-A-C. GRCh37 (hg19) VCF-style: chr8-51314818-A-C.
Other names: c.76A>C, p.Lys26Gln (NM_001287813.3, NM_001287814.3, NM_001321773.2 and 4 more transcripts); short protein forms K26Q.
Identifiers: ClinVar variation 728154 (VCV000728154.5), dbSNP rs35384568, ClinGen allele CA4743824.

ClinVar aggregate classification (germline): Likely benign. Review status: criteria provided, single submitter (1 of 4 stars). 2 submissions from 2 submitters: Likely benign (1). 1 of the submissions does not count toward it. Last evaluated 2018-05-21.

Conditions:
SNTG1-related disorder. Also called: SNTG1-related condition.

Allele frequency attached by ClinVar (database versions not stated): gnomAD exomes 0.00015 and 0.00046; ExAC 0.00049; ESP Exome Variant Server 0.00154; gnomAD 0.00172 and 0.00176; TOPMed 0.00229; 1000 Genomes Project 0.00300; 1000 Genomes Project 30x 0.00390.
gnomAD v4.1: 514 of 1,613,276 alleles (0.032%); highest among the groups gnomAD compares: African/African-American, 0.51%; 2 homozygotes.

Submissions (2):

Labcorp Genetics (formerly Invitae), Labcorp
Classification: Likely benign. Last evaluated: 2018-05-21. Review status: criteria provided, single submitter. Criteria: Invitae Variant Classification Sherloc (09022015). Collection method: clinical testing. Allele origin: germline.

PreventionGenetics, part of Exact Sciences
Classification: Likely benign for SNTG1-related condition. Last evaluated: 2019-05-02. Review status: no assertion criteria provided. Collection method: clinical testing. Allele origin: germline. Not counted in ClinVar's aggregate classification.
Comment: This variant is classified as likely benign based on ACMG/AMP sequence variant interpretation guidelines (Richards et al. 2015 PMID: 25741868, with internal and published modifications).